The following is an entry in ClinVar:

ClinVar aggregate classification (germline): Likely benign. Review status: reviewed by expert panel (3 of 4 stars). 2 submissions from 2 submitters: Likely benign (1). 1 of the submissions does not count toward it. Last evaluated 2026-05-04.

Conditions:
Hereditary thrombocytopenia and hematological cancer predisposition syndrome associated with RUNX1. Also called: Familial Platelet Disorder with Propensity to Acute Myelogenous Leukemia; Familial thrombocytopenia with propensity to acute myelogenous leukemia; PLATELET DISORDER, ASPIRIN-LIKE; RUNX1 Familial Platelet Disorder with Associated Myeloid Malignancies. Identifiers: Orphanet 71290, MedGen C1832388, MeSH C563324, MONDO:0100083, OMIM 601399.
Hereditary thrombocytopenia and hematologic cancer predisposition syndrome. Identifiers: Orphanet 71290, MedGen CN281654, MONDO:0011071.

Allele frequency attached by ClinVar (database versions not stated): gnomAD exomes below 0.00001.
gnomAD v4.1: 1 of 1,569,410 alleles (0.000064%); highest among the groups gnomAD compares: Non-Finnish European, 0.000088%; no homozygotes.

Submissions (2):

ClinGen Myeloid Malignancy Variant Curation Expert Panel
Classification: Likely benign for Hereditary thrombocytopenia and hematologic cancer predisposition syndrome. Last evaluated: 2026-05-04. Review status: reviewed by expert panel. Criteria: ClinGen MyeloMalig ACMG Specifications V3.1. Collection method: curation. Allele origin: germline. Inheritance: Autosomal dominant inheritance.
Comment: NM_001754.5(RUNX1):c.84T>C is a synonymous variant which has a SpliceAI score ≤ 0.20 (0.11) (BP4, BP7). This variant is completely absent from all population databases with at least 20x coverage for RUNX1 (PM2_supporting). In summary, this variant meets criteria to be classified as likely benign. ACMG/AMP criteria applied, as specified by the Myeloid Malignancy Variant Curation Expert Panel for RUNX1: BP4, BP7, PM2_supporting.

Labcorp Genetics (formerly Invitae), Labcorp
Classification: Likely benign for Hereditary thrombocytopenia and hematological cancer predisposition syndrome associated with RUNX1. Last evaluated: 2022-10-24. Review status: criteria provided, single submitter. Criteria: Invitae Variant Classification Sherloc (09022015). Collection method: clinical testing. Allele origin: germline. Not counted in ClinVar's aggregate classification.

NM_001754.5(RUNX1):c.84T>C (p.Ser28=)

Gene: RUNX1 (RUNX family transcription factor 1; minus strand). Cytogenetic location: 21q22.12.
Variant type: single nucleotide variant.
Coding change: c.84T>C on transcript NM_001754.5 (MANE Select); coding-DNA position 84, T replaced by C.
Protein change: p.Ser28=; no amino-acid change (serine 28 retained).
Molecular consequence: synonymous variant.
Genome position (GRCh38, 1-based): chr21:34,892,938, A>G on the plus strand (T>C on the coding strand, the complement: RUNX1 is on the minus strand). VCF-style: chr21-34892938-A-G. GRCh37 (hg19) VCF-style: chr21-36265235-A-G.
Other names: NM_001754.5(RUNX1):c.84T>C; p.Ser28=.
Identifiers: ClinVar variation 1156194 (VCV001156194.12), dbSNP rs2146454266, ClinGen allele CA512319034.